The following is an entry in ClinVar:

NM_000261.2(MYOC):c.624C>G (p.Asp208Glu)

Gene: MYOC (myocilin; minus strand). Cytogenetic location: 1q24.3.
Variant type: single nucleotide variant.
Coding change: c.624C>G on transcript NM_000261.2 (MANE Select); coding-DNA position 624, C replaced by G.
Protein change: p.Asp208Glu; replaces aspartic acid 208 with glutamic acid.
Molecular consequence: missense variant.
Genome position (GRCh38, 1-based): chr1:171,638,703, G>C on the plus strand (C>G on the coding strand, the complement: MYOC is on the minus strand). VCF-style: chr1-171638703-G-C. GRCh37 (hg19) VCF-style: chr1-171607843-G-C.
Other names: NM_000261.2:c.624C>G; short protein forms D208E.
Identifiers: ClinVar variation 876020 (VCV000876020.9), dbSNP rs2234927, ClinGen allele CA1244210.

ClinVar aggregate classification (germline): Likely benign. Review status: reviewed by expert panel (3 of 4 stars). 3 submissions from 2 submitters: Likely benign (1). 2 of the submissions do not count toward it. Last evaluated 2026-01-12.

Conditions:
Glaucoma. Identifiers: MedGen C0017601, MONDO:0005041, HP:0000501.
Open-angle glaucoma. Identifiers: MedGen C0017612, MONDO:0005338, HP:0012108.
Glaucoma 1, open angle, A (GLC1A). Also called: Glaucoma, Dominant (Juvenile Onset). Identifiers: Orphanet 98977, MedGen C1842028, MONDO:0007664, OMIM 137750.

Allele frequency attached by ClinVar (database versions not stated): gnomAD 0.00027 and 0.00032; TOPMed 0.00029; 1000 Genomes Project 0.00080; 1000 Genomes Project 30x 0.00062.

Submissions (3):

ClinGen Glaucoma Variant Curation Expert Panel
Classification: Likely benign for Open-angle glaucoma. Last evaluated: 2026-01-12. Review status: reviewed by expert panel. Criteria: ClinGen Glaucoma ACMG Specifications V2.0.0 Approved. Collection method: curation. Allele origin: germline. Inheritance: Autosomal dominant inheritance.
Comment: The c.624C>G variant in MYOC is a missense variant predicted to cause substitution of Aspartic acid by Glutamic acid at amino acid 208 (p.Asp208Glu). The highest minor allele frequency of this variant was in the East Asian genetic ancestry group of gnomAD (v4.1.0) = 0.007821, which met the ≥ 0.001 threshold set for BS1 (351 alleles out of 44,878, meeting the threshold of ≥ 5 of at least 2,000 observed alleles). The REVEL score = 0.126, which was within the 0.017-0.183 range for BP4_Moderate, suggesting that the variant does not impact MYOC function. The Asp208Glu protein had similar secretion levels to wild type myocilin protein in these studies (PMIDs: 27092720, 14688426). The assays did not meet the OddsPath threshold for BS3_Supporting (< 0.48). As BS1 was met, PP1 did not apply and segregations were not counted. Although probands with primary open angle glaucoma have been reported carrying this variant, PM2_Supporting was not met, therefore PS4 did not apply. In summary, this variant met the criteria to receive a score of -6 and to be classified as likely benign (likely benign classification range -2 to -6, adapted from PMID: 32720330) for primary open angle glaucoma based on the ACMG/AMP criteria met, as specified by the ClinGen Glaucoma VCEP (v2.0.0, 5 Dec 2024): BS1, BP4_Moderate.

Illumina Laboratory Services, Illumina
Classification: Benign for Glaucoma. Last evaluated: 2017-04-27. Review status: criteria provided, single submitter. Criteria: ICSL Variant Classification Criteria 13 December 2019. Collection method: clinical testing. Allele origin: germline. Not counted in ClinVar's aggregate classification.
Comment: This variant was observed as part of a predisposition screen in an ostensibly healthy population. A literature search was performed for the gene, cDNA change, and amino acid change (where applicable). Publications were found based on this search. The evidence from the literature, in combination with allele frequency data from public databases where available, was sufficient to rule this variant out of causing disease. Therefore, this variant is classified as benign.

Illumina Laboratory Services, Illumina
Classification: Benign for Glaucoma 1, open angle, A. Last evaluated: 2017-04-27. Review status: criteria provided, single submitter. Criteria: ICSL Variant Classification Criteria 13 December 2019. Collection method: clinical testing. Allele origin: germline. Not counted in ClinVar's aggregate classification.
Comment: the same text as in the submission from Illumina Laboratory Services, Illumina above.

Literature cited by the submitters: PubMed 14688426 (cited by Illumina Laboratory Services, Illumina); PubMed 17438518 (cited by Illumina Laboratory Services, Illumina); PubMed 10980537 (cited by Illumina Laboratory Services, Illumina); PubMed 18776955 (cited by Illumina Laboratory Services, Illumina); PubMed 21850185 (cited by Illumina Laboratory Services, Illumina); PubMed 10798654 (cited by Illumina Laboratory Services, Illumina); PubMed 11298682 (cited by Illumina Laboratory Services, Illumina); PubMed 19145250 (cited by Illumina Laboratory Services, Illumina).